The following is an entry in ClinVar:

ClinVar aggregate classification (germline): Conflicting classifications of pathogenicity. Review status: criteria provided, conflicting classifications (1 of 4 stars). 8 submissions from 8 submitters: Uncertain significance (1); Benign (1); Likely benign (5). 1 of the submissions does not count toward it. Last evaluated 2026-08-01.

Conditions:
COL6A2-related disorder.
Collagen 6-related myopathy. Identifiers: MedGen CN117976, MONDO:0100225.
Bethlem myopathy 1A. Also called: Bethlem Muscular Dystrophy; MYOPATHY, BENIGN CONGENITAL, WITH CONTRACTURES; Bethlem myopathy 1. Identifiers: Orphanet 610, MedGen CN029274, MONDO:0024530, OMIM 158810.

Allele frequency attached by ClinVar (database versions not stated): gnomAD 0.00026 and 0.00027; gnomAD exomes 0.00036 and 0.00044; ESP Exome Variant Server 0.00039; TOPMed 0.00041; ExAC 0.00052.
gnomAD v4.1: 670 of 1,609,770 alleles (0.042%); highest among the groups gnomAD compares: Middle Eastern, 0.099%; 3 homozygotes.

Submissions (8):

CeGaT Center for Human Genetics Tuebingen
Classification: Likely benign. Last evaluated: 2026-08-01. Review status: criteria provided, single submitter. Criteria: CeGaT Center For Human Genetics Tuebingen Variant Classification Criteria Version 2. Collection method: clinical testing. Allele origin: germline. Affected: yes. Observed: 2 variant alleles.
Comment: COL6A2: BP4, BP7

Labcorp Genetics (formerly Invitae), Labcorp
Classification: Likely benign for Bethlem myopathy 1A. Last evaluated: 2026-01-23. Review status: criteria provided, single submitter. Criteria: Invitae Variant Classification Sherloc (09022015). Collection method: clinical testing. Allele origin: germline.

Laboratory of Genetics, Children's Clinical University Hospital Latvia
Classification: Likely benign. Last evaluated: 2025-02-16. Review status: criteria provided, single submitter. Criteria: ACMG Guidelines, 2015. Collection method: clinical testing. Allele origin: germline. Affected: yes.

Blueprint Genetics
Classification: Likely benign. Last evaluated: 2024-10-15. Review status: criteria provided, single submitter. Criteria: ACMG Guidelines, 2015. Collection method: clinical testing. Allele origin: germline.

GeneDx
Classification: Likely benign. Last evaluated: 2019-11-25. Review status: criteria provided, single submitter. Criteria: GeneDx Variant Classification Process June 2021. Collection method: clinical testing. Allele origin: germline. Affected: yes.

Eurofins Ntd Llc (ga)
Classification: Uncertain significance. Last evaluated: 2018-07-03. Review status: criteria provided, single submitter. Criteria: EGL ClinVar v180209 classification definitions. Collection method: clinical testing. Allele origin: germline. Observed: 11 variant alleles, 11 heterozygotes.

Illumina Laboratory Services, Illumina
Classification: Benign for Collagen VI-related myopathy. Last evaluated: 2018-01-12. Review status: criteria provided, single submitter. Criteria: ICSL Variant Classification Criteria 13 December 2019. Collection method: clinical testing. Allele origin: germline.
Comment: This variant was observed in the ICSL laboratory as part of a predisposition screen in an ostensibly healthy population. It had not been previously curated by ICSL or reported in the Human Gene Mutation Database (HGMD: prior to June 1st, 2018), and was therefore a candidate for classification through an automated scoring system. Utilizing variant allele frequency, disease prevalence and penetrance estimates, and inheritance mode, an automated score was calculated to assess if this variant is too frequent to cause the disease. Based on the score and internal cut-off values, a variant classified as benign is not then subjected to further curation. The score for this variant resulted in a classification of benign for this disease.

PreventionGenetics, part of Exact Sciences
Classification: Likely benign for COL6A2-related condition. Last evaluated: 2019-06-27. Review status: no assertion criteria provided. Collection method: clinical testing. Allele origin: germline. Not counted in ClinVar's aggregate classification.
Comment: This variant is classified as likely benign based on ACMG/AMP sequence variant interpretation guidelines (Richards et al. 2015 PMID: 25741868, with internal and published modifications).

NM_001849.4(COL6A2):c.2517C>T (p.Asp839=)

Gene: COL6A2 (collagen type VI alpha 2 chain; plus strand). Cytogenetic location: 21q22.3.
Variant type: single nucleotide variant.
Coding change: c.2517C>T on transcript NM_001849.4 (MANE Select); coding-DNA position 2517, C replaced by T.
Protein change: p.Asp839=; no amino-acid change (aspartic acid 839 retained).
Molecular consequence: synonymous variant.
Genome position (GRCh38, 1-based): chr21:46,132,009, C>T. VCF-style: chr21-46132009-C-T. GRCh37 (hg19) VCF-style: chr21-47551923-C-T.
Identifiers: ClinVar variation 196113 (VCV000196113.75), dbSNP rs113002150, ClinGen allele CA242932.